The following is an entry in ClinVar:

ClinVar aggregate classification (germline): Likely pathogenic (1 of 4 stars; one submission).

Conditions:
Primary hyperoxaluria, type I (HP1). Also called: GLYCOLIC ACIDURIA; HEPATIC AGT DEFICIENCY; OXALOSIS I; Primary hyperoxaluria type 1. Identifiers: Orphanet 416, Orphanet 93598, MedGen C0268164, MONDO:0009823, OMIM 259900. Disease mechanism: loss of function.

Submission:

Myriad Genetics, Inc.
Classification: Likely pathogenic for Primary hyperoxaluria, type I. Last evaluated: 2019-12-16. Review status: criteria provided, single submitter. Criteria: Myriad Women's Health Autosomal Recessive and X-Linked Classification Criteria (2019). Collection method: clinical testing. Allele origin: unknown.
Comment: NM_000030.2(AGXT):c.358G>T(G120*) is expected to be pathogenic in the context of primary hyperoxaluria type 1. This variant is predicted to lead to an abnormal or absent protein product due to the creation of a premature termination codon in AGXT, a gene where loss-of-function variants are known to be pathogenic. Please note: this variant was assessed in the context of healthy population screening.

NM_000030.3(AGXT):c.358G>T (p.Gly120Ter)

Gene: AGXT (alanine--glyoxylate aminotransferase; plus strand). Cytogenetic location: 2q37.3.
Variant type: single nucleotide variant.
Coding change: c.358G>T on transcript NM_000030.3 (MANE Select); coding-DNA position 358, G replaced by T.
Protein change: p.Gly120Ter; replaces glycine 120 with a stop codon.
Molecular consequence: nonsense.
Genome position (GRCh38, 1-based): chr2:240,869,362, G>T. VCF-style: chr2-240869362-G-T. GRCh37 (hg19) VCF-style: chr2-241808779-G-T.
Other names: short protein forms G120*.
Identifiers: ClinVar variation 983728 (VCV000983728.3), dbSNP rs747043550, ClinGen allele CA351314031.